The following is an entry in ClinVar:

ClinVar aggregate classification (germline): Conflicting classifications of pathogenicity. Review status: criteria provided, conflicting classifications (1 of 4 stars). 3 submissions from 3 submitters: Likely pathogenic (2); Uncertain significance (1). Last evaluated 2025-11-24.

Conditions:
Autosomal dominant Alport syndrome (ATS3A). Also called: Alport syndrome dominant type; Renal failure and sensorineural hearing loss; ALPORT SYNDROME 3A, AUTOSOMAL DOMINANT. Identifiers: Orphanet 63, Orphanet 88918, MedGen C5882663, MONDO:0007086, OMIM 104200.
Hematuria, benign familial, 2 (BFH2). Identifiers: MedGen C5830421, MONDO:0958186, OMIM 620320.
Alport syndrome 3b, autosomal recessive. Identifiers: MedGen C5882699, MONDO:0957811, OMIM 620536.

Submissions (3):

Variantyx, Inc.
Classification: Likely pathogenic for Autosomal dominant Alport syndrome. Last evaluated: 2025-11-24. Review status: criteria provided, single submitter. Criteria: Variantyx Assertion Criteria 2022. Collection method: clinical testing. Allele origin: germline. Inheritance: Autosomal dominant inheritance. Affected: yes.
Comment: This is a nonsynonymous variant in the COL4A3 gene (OMIM: 120070). Pathogenic variants in this gene have been associated with autosomal dominant Alport spectrum. This variant replaces a glycine residue in the repetitive Gly-X-Y sequence of the triple helical domain, which disrupts the structure of fibrillar collagen and is a common disease mechanism in collagenopathies (PMID: 35177655, 33854215) (PM1_Strong), and multiple computational algorithms predict a deleterious effect for this variant (REVEL score: 0.975) (PP3). This variant is absent from control populations (PM2), and it has not been reported in individuals with COL4A3-related disorders in the databases available for review. Based on the current evidence, this variant is classified as likely pathogenic for autosomal dominant Alport spectrum.

Fulgent Genetics
Classification: Likely pathogenic for Autosomal dominant Alport syndrome; Hematuria, benign familial, 2; Alport syndrome 3b, autosomal recessive. Last evaluated: 2024-06-25. Review status: criteria provided, single submitter. Criteria: ACMG Guidelines, 2015. Collection method: clinical testing. Allele origin: germline.

Women's Health and Genetics/Laboratory Corporation of America, LabCorp
Classification: Uncertain significance. Last evaluated: 2024-06-14. Review status: criteria provided, single submitter. Criteria: LabCorp Variant Classification Summary - May 2015. Collection method: clinical testing. Allele origin: germline.
Comment: Variant summary: COL4A3 c.3821G>A (p.Gly1274Asp) results in a non-conservative amino acid change located in the Collagen triple helix repeat (IPR008160) of the encoded protein sequence. Five of five in-silico tools predict a damaging effect of the variant on protein function. The variant was absent in 249392 control chromosomes. The available data on variant occurrences in the general population are insufficient to allow any conclusion about variant significance. To our knowledge, no occurrence of c.3821G>A in individuals affected with Alport Syndrome, Autosomal Recessive and no experimental evidence demonstrating its impact on protein function have been reported. No submitters have cited clinical-significance assessments for this variant to ClinVar. Based on the evidence outlined above, the variant was classified as uncertain significance.

Literature cited by the submitters: PubMed 35177655 (cited by Variantyx, Inc.); PubMed 33854215 (cited by Variantyx, Inc.).

NM_000091.5(COL4A3):c.3821G>A (p.Gly1274Asp)

Genes: COL4A3 (collagen type IV alpha 3 chain; plus strand), MFF-DT (MFF divergent transcript; minus strand). Cytogenetic location: 2q36.3.
Variant type: single nucleotide variant.
Coding change: c.3821G>A on transcript NM_000091.5 (MANE Select); coding-DNA position 3821, G replaced by A.
Protein change: p.Gly1274Asp; replaces glycine 1274 with aspartic acid.
Molecular consequence: missense variant.
Genome position (GRCh38, 1-based): chr2:227,298,751, G>A. VCF-style: chr2-227298751-G-A. GRCh37 (hg19) VCF-style: chr2-228163467-G-A.
Other names: short protein forms G1274D.
Identifiers: ClinVar variation 3340054 (VCV003340054.3).
Genomic context (GRCh38, chr2:227,298,751, plus strand): 5'-GTCCCCCTGGACCTCCAGGGAGTCATGTAATAGGCATAAAAGGAGACAAAGGGTCTATGG[G>A]CCACCCTGGCCCAAAAGGTCCACCTGGAACTGCAGGAGACATGGGACCACCAGGTCGTCT-3'
Protein context (NP_000082.2, residues 1264-1284): IGIKGDKGSM[Gly1274Asp]HPGPKGPPGT